The following is an entry in ClinVar:

NM_004281.4(BAG3):c.6C>G (p.Ser2Arg)

Gene: BAG3 (BAG cochaperone 3; plus strand). Cytogenetic location: 10q26.11.
Variant type: single nucleotide variant.
Coding change: c.6C>G on transcript NM_004281.4 (MANE Select); coding-DNA position 6, C replaced by G.
Protein change: p.Ser2Arg; replaces serine 2 with arginine.
Molecular consequence: missense variant.
Genome position (GRCh38, 1-based): chr10:119,651,681, C>G. VCF-style: chr10-119651681-C-G. GRCh37 (hg19) VCF-style: chr10-121411193-C-G.
Other names: short protein forms S2R.
Identifiers: ClinVar variation 5032688 (VCV005032688.1).
Genomic context (GRCh38, chr10:119,651,681, plus strand): 5'-GCGCCCGGAGCCAGCGCCCCGCACCCGCGCCCCAGCGGGCAGACCCCAACCCAGCATGAG[C>G]GCCGCCACCCACTCGCCCATGATGCAGGTGGCGTCCGGCAACGGTGACCGCGACCCTTTG-3'
Protein context (NP_004272.2, residues 1-12): M[Ser2Arg]AATHSPMMQV

ClinVar aggregate classification (germline): Uncertain significance (1 of 4 stars; one submission).

Conditions:
Cardiovascular phenotype. Identifiers: MedGen CN230736.

Submission:

Ambry Genetics
Classification: Uncertain significance for Cardiovascular phenotype. Last evaluated: 2026-06-21. Review status: criteria provided, single submitter. Criteria: Ambry Variant Classification Scheme 2023. Collection method: clinical testing. Allele origin: germline.
Comment: The p.S2R variant (also known as c.6C>G), located in coding exon 1 of the BAG3 gene, results from a C to G substitution at nucleotide position 6. The serine at codon 2 is replaced by arginine, an amino acid with dissimilar properties. This amino acid position is conserved. In addition, this alteration is predicted to be tolerated by in silico analysis. Based on the available evidence, the clinical significance of this variant remains unclear.